The following is an entry in ClinVar:

ClinVar aggregate classification (germline): Uncertain significance (1 of 4 stars; one submission).

Conditions:
X-linked Emery-Dreifuss muscular dystrophy. Also called: Muscular dystrophy, tardive Emery-Dreifuss type, with contractures. Identifiers: Orphanet 261, Orphanet 98863, MedGen C0751337, MONDO:0010680.

Submission:

Labcorp Genetics (formerly Invitae), Labcorp
Classification: Uncertain significance for X-linked Emery-Dreifuss muscular dystrophy. Last evaluated: 2025-10-07. Review status: criteria provided, single submitter. Criteria: Invitae Variant Classification Sherloc (09022015). Collection method: clinical testing. Allele origin: germline.
Comment: This sequence change replaces serine, which is neutral and polar, with proline, which is neutral and non-polar, at codon 114 of the EMD protein (p.Ser114Pro). This variant is not present in population databases (gnomAD no frequency). This variant has not been reported in the literature in individuals affected with EMD-related conditions. ClinVar contains an entry for this variant (Variation ID: 3678235). Invitae Evidence Modeling of protein sequence and biophysical properties (such as structural, functional, and spatial information, amino acid conservation, physicochemical variation, residue mobility, and thermodynamic stability) indicates that this missense variant is not expected to disrupt EMD protein function with a negative predictive value of 80%. In summary, the available evidence is currently insufficient to determine the role of this variant in disease. Therefore, it has been classified as a Variant of Uncertain Significance.

NM_000117.3(EMD):c.340T>C (p.Ser114Pro)

Gene: EMD (emerin; plus strand). Cytogenetic location: Xq28.
Variant type: single nucleotide variant.
Coding change: c.340T>C on transcript NM_000117.3 (MANE Select); coding-DNA position 340, T replaced by C.
Protein change: p.Ser114Pro; replaces serine 114 with proline.
Molecular consequence: missense variant.
Genome position (GRCh38, 1-based): chrX:154,380,308, T>C. VCF-style: chrX-154380308-T-C. GRCh37 (hg19) VCF-style: chrX-153608668-T-C.
Other names: short protein forms S114P.
Identifiers: ClinVar variation 3678235 (VCV003678235.2).